The following is an entry in ClinVar:

NM_001317163.2(C5):c.63C>A (p.Phe21Leu)

Genes: C5 (complement C5; minus strand), LOC130002496 (ATAC-STARR-seq lymphoblastoid active region 28915; plus strand). Cytogenetic location: 9q33.2.
Variant type: single nucleotide variant.
Coding change: c.63C>A on transcript NM_001317163.2; coding-DNA position 63, C replaced by A.
Protein change: p.Phe21Leu; replaces phenylalanine 21 with leucine.
Molecular consequence: missense variant.
Genome position (GRCh38, 1-based): chr9:121,074,774, G>T on the plus strand (C>A on the coding strand, the complement: C5 is on the minus strand). VCF-style: chr9-121074774-G-T. GRCh37 (hg19) VCF-style: chr9-123837052-G-T.
Other names: short protein forms F21L.
Identifiers: ClinVar variation 2630965 (VCV002630965.1), dbSNP rs1247159417, ClinGen allele CA1876903807.
Genomic context (GRCh38, chr9:121,074,774, plus strand): 5'-GAAACCTCGGCTCCCCCTGACTCTGCACCCGACACTTCACCTGCAACGCAATCCGAAGGC[G>T]AAGGCACCGCATCCCGTCGGCCCCGCGCGGCCGGAAGCCTCGCGCCCAAGACTCCCCGGC-3'

ClinVar aggregate classification (germline): Uncertain significance (1 of 4 stars; one submission).

Conditions:
C5-related disorder. Also called: C5-related condition.

Submission:

PreventionGenetics, part of Exact Sciences
Classification: Uncertain significance for C5-related condition. Last evaluated: 2023-09-12. Review status: criteria provided, single submitter. Criteria: ACMG Guidelines, 2015. Collection method: clinical testing. Allele origin: germline.
Comment: The C5 c.63C>A variant is predicted to result in the amino acid substitution p.Phe21Leu. To our knowledge, this variant has not been reported in the literature or in a large population database, indicating this variant is rare. At this time, the clinical significance of this variant is uncertain due to the absence of conclusive functional and genetic evidence.